The following is an entry in ClinVar:

NM_207037.2(TCF12):c.616C>T (p.Arg206Cys)

Gene: TCF12 (transcription factor 12; plus strand). Cytogenetic location: 15q21.3.
Variant type: single nucleotide variant.
Coding change: c.616C>T on transcript NM_207037.2 (MANE Select); coding-DNA position 616, C replaced by T.
Protein change: p.Arg206Cys; replaces arginine 206 with cysteine.
Molecular consequence: missense variant. On other transcripts: synonymous variant (1), 5 prime UTR variant (1).
Genome position (GRCh38, 1-based): chr15:57,231,188, C>T. VCF-style: chr15-57231188-C-T. GRCh37 (hg19) VCF-style: chr15-57523386-C-T.
Other names: c.106C>T, p.Arg36Cys (NM_001306219.3, NM_207040.2); c.48C>T, p.Thr16= (NM_001306220.3); c.616C>T, p.Arg206Cys (NM_001322151.2, NM_001322152.2, NM_001322157.3 and 7 more transcripts); c.-42C>T (NM_001322154.2); c.442C>T, p.Arg148Cys (NM_001322156.2, NM_001322158.2); c.652C>T, p.Arg218Cys (NM_001322164.2); short protein forms R148C, R206C, R218C, R36C.
Identifiers: ClinVar variation 1310255 (VCV001310255.2), dbSNP rs199642156, ClinGen allele CA7580984.

ClinVar aggregate classification (germline): Uncertain significance (1 of 4 stars; one submission).

Allele frequency attached by ClinVar (database versions not stated): ExAC 0.00002; gnomAD exomes 0.00002 and 0.00006; TOPMed 0.00002; gnomAD 0.00003 and 0.00004; 1000 Genomes Project 0.00040; 1000 Genomes Project 30x 0.00047.
gnomAD v4.1: 90 of 1,613,042 alleles (0.0056%); highest among the groups gnomAD compares: Non-Finnish European, 0.007%; no homozygotes.

Submission:

GeneDx
Classification: Uncertain significance. Last evaluated: 2019-11-11. Review status: criteria provided, single submitter. Criteria: GeneDx Variant Classification Process June 2021. Collection method: clinical testing. Allele origin: germline. Affected: yes.
Comment: In silico analysis, which includes protein predictors and evolutionary conservation, supports a deleterious effect; Has not been previously published as pathogenic or benign to our knowledge